The following is an entry in ClinVar:

NM_006343.3(MERTK):c.2621del (p.Asn874fs)

Gene: MERTK (MER proto-oncogene, tyrosine kinase; plus strand). Cytogenetic location: 2q13.
Variant type: Deletion.
Coding change: c.2621del on transcript NM_006343.3 (MANE Select); coding-DNA position 2621, one base deleted (A; older notation c.2621delA).
Protein change: p.Asn874fs; shifts the reading frame from asparagine 874.
Molecular consequence: frameshift variant.
Genome position (GRCh38, 1-based): chr2:112,028,485, A deleted; the last of 2 consecutive A bases (chr2:112,028,484-112,028,485); deleting either gives the same sequence. VCF-style (leftmost placement, unchanged base first): chr2-112028483-CA-C. GRCh37 (hg19) VCF-style: chr2-112786060-CA-C.
Other names: short protein forms N874fs.
Identifiers: ClinVar variation 849627 (VCV000849627.8), dbSNP rs1240083827, ClinGen allele CA535594791.

ClinVar aggregate classification (germline): Uncertain significance. Review status: criteria provided, multiple submitters, no conflicts (2 of 4 stars). 2 submissions from 2 submitters: Uncertain significance (2). Last evaluated 2024-02-24.

Submissions (2):

Labcorp Genetics (formerly Invitae), Labcorp
Classification: Uncertain significance. Last evaluated: 2024-02-24. Review status: criteria provided, single submitter. Criteria: Invitae Variant Classification Sherloc (09022015). Collection method: clinical testing. Allele origin: germline.
Comment: This sequence change creates a premature translational stop signal (p.Asn874Ilefs*22) in the MERTK gene. While this is not anticipated to result in nonsense mediated decay, it is expected to disrupt the last 126 amino acid(s) of the MERTK protein. This variant is present in population databases (no rsID available, gnomAD 0.007%). This premature translational stop signal has been observed in individuals with clinical features retinitis pigmentosa (Invitae). ClinVar contains an entry for this variant (Variation ID: 849627). Experimental studies and prediction algorithms are not available or were not evaluated, and the functional significance of this variant is currently unknown. In summary, the available evidence is currently insufficient to determine the role of this variant in disease. Therefore, it has been classified as a Variant of Uncertain Significance.

Blueprint Genetics
Classification: Uncertain significance. Last evaluated: 2022-01-14. Review status: criteria provided, single submitter. Criteria: ACMG Guidelines, 2015. Collection method: clinical testing. Allele origin: germline.